The following is an entry in ClinVar:

ClinVar aggregate classification (germline): Uncertain significance (1 of 4 stars; one submission).

Submission:

Greenwood Genetic Center Diagnostic Laboratories, Greenwood Genetic Center
Classification: Uncertain significance. Last evaluated: 2026-04-14. Review status: criteria provided, single submitter. Criteria: ACMG Guidelines, 2015. Collection method: clinical testing. Allele origin: germline.
Comment: PM2, BP4

NM_001386135.1(AFF3):c.805G>T (p.Ala269Ser)

Gene: AFF3 (ALF transcription elongation factor 3; minus strand). Cytogenetic location: 2q11.2.
Variant type: single nucleotide variant.
Coding change: c.805G>T on transcript NM_001386135.1 (MANE Select); coding-DNA position 805, G replaced by T.
Protein change: p.Ala269Ser; replaces alanine 269 with serine.
Molecular consequence: missense variant.
Genome position (GRCh38, 1-based): chr2:100,006,700, C>A on the plus strand (G>T on the coding strand, the complement: AFF3 is on the minus strand). VCF-style: chr2-100006700-C-A. GRCh37 (hg19) VCF-style: chr2-100623162-C-A.
Other names: c.880G>T, p.Ala294Ser (NM_001025108.2); c.805G>T, p.Ala269Ser (NM_002285.3); short protein forms A269S, A294S.
Identifiers: ClinVar variation 4891222 (VCV004891222.1).